The following is an entry in ClinVar:

ClinVar aggregate classification (germline): Uncertain significance (0 of 4 stars; one submission).

Conditions:
NCOA1-related disorder. Also called: NCOA1-related condition.

gnomAD v4.1: 12 of 1,613,914 alleles (0.00074%); highest among the groups gnomAD compares: South Asian, 0.0022%; no homozygotes.

Submission:

PreventionGenetics, part of Exact Sciences
Classification: Uncertain significance for NCOA1-related condition. Last evaluated: 2024-08-12. Review status: no assertion criteria provided. Collection method: clinical testing. Allele origin: germline.
Comment: The NCOA1 c.3977C>T variant is predicted to result in the amino acid substitution p.Thr1326Met. This variant was reported in an individual from a large cohort with severe obesity; however, no additional evidence was provided to support causation (Cacciottolo et al. 2022. PMID: 35137184). This variant is reported in 0.032% of alleles in individuals of European (Non-Finnish) descent in gnomAD. At this time, the clinical significance of this variant is uncertain due to the absence of conclusive functional and genetic evidence.

NM_003743.5(NCOA1):c.3977C>T (p.Thr1326Met)

Gene: NCOA1 (nuclear receptor coactivator 1; plus strand). Cytogenetic location: 2p23.3.
Variant type: single nucleotide variant.
Coding change: c.3977C>T on transcript NM_003743.5 (MANE Select); coding-DNA position 3977, C replaced by T.
Protein change: p.Thr1326Met; replaces threonine 1326 with methionine.
Molecular consequence: missense variant.
Genome position (GRCh38, 1-based): chr2:24,758,068, C>T. VCF-style: chr2-24758068-C-T. GRCh37 (hg19) VCF-style: chr2-24980937-C-T.
Other names: c.3977C>T, p.Thr1326Met (NM_001362950.1, NM_001362952.1, NM_001362954.1 and 3 more transcripts); short protein forms T1326M.
Identifiers: ClinVar variation 3356268 (VCV003356268.1).